The following is an entry in ClinVar:

NM_012143.4(TFIP11):c.1347C>T (p.Thr449=)

Gene: TFIP11 (tuftelin interacting protein 11; minus strand). Cytogenetic location: 22q12.1.
Variant type: single nucleotide variant.
Coding change: c.1347C>T on transcript NM_012143.4 (MANE Select); coding-DNA position 1347, C replaced by T.
Protein change: p.Thr449=; no amino-acid change (threonine 449 retained).
Molecular consequence: synonymous variant.
Genome position (GRCh38, 1-based): chr22:26,498,958, G>A on the plus strand (C>T on the coding strand, the complement: TFIP11 is on the minus strand). VCF-style: chr22-26498958-G-A. GRCh37 (hg19) VCF-style: chr22-26894924-G-A.
Other names: c.1347C>T, p.Thr449= (NM_001008697.3, NM_001346857.2, NM_001346858.2 and 2 more transcripts); c.1254C>T, p.Thr418= (NM_001346862.2).
Identifiers: ClinVar variation 2653009 (VCV002653009.24), dbSNP rs750943672, ClinGen allele CA10164525.

ClinVar aggregate classification (germline): Likely benign (1 of 4 stars; one submission).

Allele frequency attached by ClinVar (database versions not stated): ExAC 0.00003; TOPMed 0.00003; gnomAD 0.00002.
gnomAD v4.1: 80 of 1,613,922 alleles (0.005%); highest among the groups gnomAD compares: Non-Finnish European, 0.0065%; no homozygotes.

Submission:

CeGaT Center for Human Genetics Tuebingen
Classification: Likely benign. Last evaluated: 2023-03-01. Review status: criteria provided, single submitter. Criteria: CeGaT Center For Human Genetics Tuebingen Variant Classification Criteria Version 2. Collection method: clinical testing. Allele origin: germline. Affected: yes. Observed: 1 variant allele.
Comment: TFIP11: BP4, BP7